The following is an entry in ClinVar:

ClinVar aggregate classification (germline): Likely pathogenic (0 of 4 stars; one submission).

Conditions:
Imerslund-Grasbeck syndrome. Also called: PERNICIOUS ANEMIA, JUVENILE, DUE TO SELECTIVE INTESTINAL MALABSORPTION OF VITAMIN B12, WITH PROTEINURIA; Megaloblastic anemia due to inborn errors of metabolism; Imerslund-Gräsbeck syndrome; ENTEROCYTE COBALAMIN MALABSORPTION; ENTEROCYTE INTRINSIC FACTOR RECEPTOR, DEFECT OF. Identifiers: Orphanet 35858, MedGen C4551825, MONDO:0009853.

Submission:

Juha Muilu Group; Institute for Molecular Medicine Finland (FIMM)
Classification: Likely pathogenic for Megaloblastic anemia due to inborn errors of metabolism. Review status: no assertion criteria provided. Collection method: not provided. Allele origin: unknown.
Comment: FinDis database variant: This variant was not found or characterized by our laboratory, data were collected from public sources: see reference
ClinVar note: Converted during submission from probable-pathogenic to Likely pathogenic.

NM_030943.4(AMN):c.468dup (p.Gly157fs)

Gene: AMN (amnion associated transmembrane protein; plus strand). Cytogenetic location: 14q32.32.
Variant type: Duplication.
Coding change: c.468dup on transcript NM_030943.4 (MANE Select); coding-DNA position 468, one base duplicated (T; older notation c.468dupT).
Protein change: p.Gly157fs; shifts the reading frame from glycine 157.
Molecular consequence: frameshift variant.
Genome position (GRCh38, 1-based): chr14:102,928,930, T duplicated. VCF-style (leftmost placement, unchanged base first): chr14-102928929-C-CT. GRCh37 (hg19) VCF-style: chr14-103395266-C-CT.
Other names: c.468dupT (NM_030943.3); short protein forms G157fs.
Identifiers: ClinVar variation 56754 (VCV000056754.2), dbSNP rs386834173, ClinGen allele CA144412.